The following is an entry in ClinVar:

NM_170707.4(LMNA):c.143G>A (p.Arg48His)

Gene: LMNA (lamin A/C; plus strand). Cytogenetic location: 1q22.
Variant type: single nucleotide variant.
Coding change: c.143G>A on transcript NM_170707.4 (MANE Select); coding-DNA position 143, G replaced by A.
Protein change: p.Arg48His; replaces arginine 48 with histidine.
Molecular consequence: missense variant. On other transcripts: 5 prime UTR variant (8), intron variant (2).
Genome position (GRCh38, 1-based): chr1:156,115,061, G>A. VCF-style: chr1-156115061-G-A. GRCh37 (hg19) VCF-style: chr1-156084852-G-A.
Other names: c.143G>A, p.Arg48His (NM_001282625.2, NM_001282626.2, NM_001406983.1 and 6 more transcripts); c.-281G>A (NM_001406986.1); c.-259G>A (NM_001406990.1, NM_001406995.1, NM_001407002.1); c.-522G>A (NM_001406994.1, NM_001407000.1); c.-702G>A (NM_001406999.1); c.-365G>A (NM_001407001.1); c.-203+8238G>A (NM_001406993.1, NM_001407003.1); short protein forms R48H.
Identifiers: ClinVar variation 2873499 (VCV002873499.3), dbSNP rs1572332235, ClinGen allele CA342807943.

ClinVar aggregate classification (germline): Likely pathogenic (1 of 4 stars; one submission).

Conditions:
Charcot-Marie-Tooth disease type 2. Also called: Charcot-Marie-Tooth type 2. Identifiers: Orphanet 64746, MedGen C0270914, MONDO:0018993.

Submission:

Labcorp Genetics (formerly Invitae), Labcorp
Classification: Likely pathogenic for Charcot-Marie-Tooth disease type 2. Last evaluated: 2024-07-20. Review status: criteria provided, single submitter. Criteria: Invitae Variant Classification Sherloc (09022015). Collection method: clinical testing. Allele origin: germline.
Comment: This sequence change replaces arginine, which is basic and polar, with histidine, which is basic and polar, at codon 48 of the LMNA protein (p.Arg48His). This variant is not present in population databases (gnomAD no frequency). This variant has not been reported in the literature in individuals affected with LMNA-related conditions. Advanced modeling of protein sequence and biophysical properties (such as structural, functional, and spatial information, amino acid conservation, physicochemical variation, residue mobility, and thermodynamic stability) performed at Invitae indicates that this missense variant is expected to disrupt LMNA protein function with a positive predictive value of 95%. This variant disrupts the p.Arg48 amino acid residue in LMNA. Other variant(s) that disrupt this residue have been determined to be pathogenic (PMID: 26098624; Invitae). This suggests that this residue is clinically significant, and that variants that disrupt this residue are likely to be disease-causing. In summary, the currently available evidence indicates that the variant is pathogenic, but additional data are needed to prove that conclusively. Therefore, this variant has been classified as Likely Pathogenic.

Literature cited by the submitters: PubMed 26098624.